The following is an entry in ClinVar:

ClinVar aggregate classification (germline): Uncertain significance (1 of 4 stars; one submission).

Submission:

Dasa
Classification: Uncertain significance. Last evaluated: 2025-02-03. Review status: criteria provided, single submitter. Criteria: DASA Assertion Criteria. Collection method: clinical testing. Allele origin: germline.
Comment: NM_001386298.1(CIC):c.5008A>G (p.Thr1670Ala) is a missense variant that results in the substitution of threonine with alanine. This variant is absent from population databases. Computational prediction algorithms are consistent with a benign effect. The currently available literature and clinical evidence are not sufficient to establish a definitive association between this variant and the reported condition. Therefore, this variant is classified as a variant of uncertain significance.

NM_001386298.1(CIC):c.5008A>G (p.Thr1670Ala)

Gene: CIC (capicua transcriptional repressor; plus strand). Cytogenetic location: 19q13.2.
Variant type: single nucleotide variant.
Coding change: c.5008A>G on transcript NM_001386298.1 (MANE Select); coding-DNA position 5008, A replaced by G.
Protein change: p.Thr1670Ala; replaces threonine 1670 with alanine.
Molecular consequence: missense variant.
Genome position (GRCh38, 1-based): chr19:42,291,049, A>G. VCF-style: chr19-42291049-A-G. GRCh37 (hg19) VCF-style: chr19-42795201-A-G.
Other names: c.5008A>G, p.Thr1670Ala (NM_001379482.1, NM_001439183.1, NM_001439184.1 and 6 more transcripts); c.2281A>G, p.Thr761Ala (NM_001379484.1, NM_001379485.1, NM_001439189.1 and 3 more transcripts); short protein forms T1670A, T761A.
Identifiers: ClinVar variation 4886152 (VCV004886152.2).